The following is an entry in ClinVar:

NM_000458.4(HNF1B):c.178C>T (p.Pro60Ser)

Gene: HNF1B (HNF1 homeobox B; minus strand). Cytogenetic location: 17q12.
Variant type: single nucleotide variant.
Coding change: c.178C>T on transcript NM_000458.4 (MANE Select); coding-DNA position 178, C replaced by T.
Protein change: p.Pro60Ser; replaces proline 60 with serine.
Molecular consequence: missense variant.
Genome position (GRCh38, 1-based): chr17:37,744,707, G>A on the plus strand (C>T on the coding strand, the complement: HNF1B is on the minus strand). VCF-style: chr17-37744707-G-A. GRCh37 (hg19) VCF-style: chr17-36104698-G-A.
Other names: c.178C>T (NM_000458.3); c.178C>T, p.Pro60Ser (NM_001165923.4, NM_001304286.2, NM_001411100.1); short protein forms P60S.
Identifiers: ClinVar variation 4737234 (VCV004737234.2).

ClinVar aggregate classification (germline): Uncertain significance. Review status: criteria provided, multiple submitters, no conflicts (2 of 4 stars). 2 submissions from 2 submitters: Uncertain significance (2). Last evaluated 2026-05-27.

Conditions:
HNF1B-related disorder. Also called: HNF1B-related condition; HNF1B-related disorders.

Submissions (2):

PreventionGenetics, part of Exact Sciences
Classification: Uncertain significance for HNF1B-related condition. Last evaluated: 2026-05-27. Review status: criteria provided, single submitter. Criteria: ACMG Guidelines, 2015. Collection method: clinical testing. Allele origin: germline.
Comment: The HNF1B c.178C>T variant is predicted to result in the amino acid substitution p.Pro60Ser. To our knowledge, this variant has not been reported in the literature. This variant is reported in 0.0098% of alleles in individuals of South Asian descent in gnomAD. At this time, the clinical significance of this variant is uncertain due to the absence of conclusive functional and genetic evidence.

Labcorp Genetics (formerly Invitae), Labcorp
Classification: Uncertain significance. Last evaluated: 2025-03-30. Review status: criteria provided, single submitter. Criteria: Invitae Variant Classification Sherloc (09022015). Collection method: clinical testing. Allele origin: germline.
Comment: This sequence change replaces proline, which is neutral and non-polar, with serine, which is neutral and polar, at codon 60 of the HNF1B protein (p.Pro60Ser). This variant is present in population databases (rs551134668, gnomAD 0.01%). This variant has not been reported in the literature in individuals affected with HNF1B-related conditions. Invitae Evidence Modeling of protein sequence and biophysical properties (such as structural, functional, and spatial information, amino acid conservation, physicochemical variation, residue mobility, and thermodynamic stability) has been performed for this missense variant. However, the output from this modeling did not meet the statistical confidence thresholds required to predict the impact of this variant on HNF1B protein function. In summary, the available evidence is currently insufficient to determine the role of this variant in disease. Therefore, it has been classified as a Variant of Uncertain Significance.